The following is an entry in ClinVar:

NM_002474.3(MYH11):c.3563G>A (p.Arg1188Gln)

Gene: MYH11 (myosin heavy chain 11; minus strand). Cytogenetic location: 16p13.11.
Variant type: single nucleotide variant.
Coding change: c.3563G>A on transcript NM_002474.3 (MANE Select); coding-DNA position 3563, G replaced by A.
Protein change: p.Arg1188Gln; replaces arginine 1188 with glutamine.
Molecular consequence: missense variant.
Genome position (GRCh38, 1-based): chr16:15,732,652, C>T on the plus strand (G>A on the coding strand, the complement: MYH11 is on the minus strand). VCF-style: chr16-15732652-C-T. GRCh37 (hg19) VCF-style: chr16-15826509-C-T.
Other names: p.R1188Q:CGG>CAG; c.3584G>A, p.Arg1195Gln (NM_001040113.2, NM_001040114.2); c.3563G>A, p.Arg1188Gln (NM_022844.3); short protein forms R1188Q, R1195Q.
Identifiers: ClinVar variation 201065 (VCV000201065.26), dbSNP rs746615097, ClinGen allele CA306537.

ClinVar aggregate classification (germline): Uncertain significance. Review status: criteria provided, multiple submitters, no conflicts (2 of 4 stars). 6 submissions from 6 submitters: Uncertain significance (5). 1 of the submissions does not count toward it. Last evaluated 2025-10-09.

Conditions:
Familial thoracic aortic aneurysm and aortic dissection (TAAD). Also called: Thoracic aortic aneurysms and dissections. Identifiers: Orphanet 91387, MedGen C4707243, MONDO:0019625.
Aortic aneurysm, familial thoracic 4 (AAT4). Also called: AORTIC ANEURYSM/AORTIC DISSECTION AND PATENT DUCTUS ARTERIOSUS. Identifiers: MedGen C1851504, MONDO:0007568, OMIM 132900.
Dilatation of aorta. Also called: Aortic dilatation. Identifiers: MedGen C0265004.

Allele frequency attached by ClinVar (database versions not stated): ExAC 0.00002; gnomAD exomes 0.00002; gnomAD 0.00003 and 0.00004; TOPMed 0.00003.
gnomAD v4.1: 39 of 1,614,102 alleles (0.0024%); highest among the groups gnomAD compares: Middle Eastern, 0.016%; no homozygotes.

Submissions (6):

Labcorp Genetics (formerly Invitae), Labcorp
Classification: Uncertain significance for Aortic aneurysm, familial thoracic 4. Last evaluated: 2025-10-09. Review status: criteria provided, single submitter. Criteria: Invitae Variant Classification Sherloc (09022015). Collection method: clinical testing. Allele origin: germline.
Comment: This sequence change replaces arginine, which is basic and polar, with glutamine, which is neutral and polar, at codon 1195 of the MYH11 protein (p.Arg1195Gln). This variant is present in population databases (rs746615097, gnomAD 0.003%). This variant has not been reported in the literature in individuals affected with MYH11-related conditions. ClinVar contains an entry for this variant (Variation ID: 201065). Invitae Evidence Modeling of protein sequence and biophysical properties (such as structural, functional, and spatial information, amino acid conservation, physicochemical variation, residue mobility, and thermodynamic stability) indicates that this missense variant is not expected to disrupt MYH11 protein function with a negative predictive value of 95%. In summary, the available evidence is currently insufficient to determine the role of this variant in disease. Therefore, it has been classified as a Variant of Uncertain Significance.

Ambry Genetics
Classification: Uncertain significance for Familial thoracic aortic aneurysm and aortic dissection. Last evaluated: 2025-06-17. Review status: criteria provided, single submitter. Criteria: Ambry Variant Classification Scheme 2023. Collection method: clinical testing. Allele origin: germline.

All of Us Research Program, National Institutes of Health
Classification: Uncertain significance for Familial thoracic aortic aneurysm and aortic dissection. Last evaluated: 2024-04-16. Review status: criteria provided, single submitter. Criteria: ACMG Guidelines, 2015. Collection method: clinical testing. Allele origin: germline. Inheritance: Autosomal dominant inheritance. Observed: 10 variant alleles, 10 heterozygotes.
Comment: This missense variant replaces arginine with glutamine at codon 1195 of the MYH11 protein. Computational prediction suggests that this variant may not impact protein structure and function (internally defined REVEL score threshold <= 0.5, PMID: 27666373). To our knowledge, functional studies have not been reported for this variant. This variant has not been reported in individuals affected with cardiovascular disorders in the literature. This variant has been identified in 6/282864 chromosomes in the general population by the Genome Aggregation Database (gnomAD). The available evidence is insufficient to determine the role of this variant in disease conclusively. Therefore, this variant is classified as a Variant of Uncertain Significance.

This study involves interpretation of variants in research participants for the purpose of population health screening. Participant phenotype was not available at the time of variant classification. Additional details can be found in publication PMID: 35346344, PMCID: PMC8962531

Color Diagnostics, LLC DBA Color Health
Classification: Uncertain significance for Familial thoracic aortic aneurysm and aortic dissection. Last evaluated: 2024-03-06. Review status: criteria provided, single submitter. Criteria: ACMG Guidelines, 2015. Collection method: clinical testing. Allele origin: germline.
Comment: This missense variant replaces arginine with glutamine at codon 1195 of the MYH11 protein. Computational prediction suggests that this variant may not impact protein structure and function (internally defined REVEL score threshold <= 0.5, PMID: 27666373). To our knowledge, functional studies have not been reported for this variant. This variant has not been reported in individuals affected with MYH11-related disorders in the literature. This variant has been identified in 6/282864 chromosomes in the general population by the Genome Aggregation Database (gnomAD). The available evidence is insufficient to determine the role of this variant in disease conclusively. Therefore, this variant is classified as a Variant of Uncertain Significance.

GeneDx
Classification: Uncertain significance. Last evaluated: 2023-06-12. Review status: criteria provided, single submitter. Criteria: GeneDx Variant Classification Process June 2021. Collection method: clinical testing. Allele origin: germline. Affected: yes.
Comment: Has not been previously published as pathogenic or benign to our knowledge; In silico analysis supports that this missense variant does not alter protein structure/function

Clinical Molecular Genetics Laboratory, Johns Hopkins All Children's Hospital
Classification: Uncertain significance for Dilatation of aorta. Last evaluated: 2017-05-31. Review status: no assertion criteria provided. Collection method: clinical testing. Allele origin: germline. Affected: yes. Not counted in ClinVar's aggregate classification.